The following is an entry in ClinVar:

NM_020937.4(FANCM):c.1705C>T (p.Arg569Cys)

Gene: FANCM (FA complementation group M; plus strand). Cytogenetic location: 14q21.2.
Variant type: single nucleotide variant.
Coding change: c.1705C>T on transcript NM_020937.4 (MANE Select); coding-DNA position 1705, C replaced by T.
Protein change: p.Arg569Cys; replaces arginine 569 with cysteine.
Molecular consequence: missense variant.
Genome position (GRCh38, 1-based): chr14:45,164,482, C>T. VCF-style: chr14-45164482-C-T. GRCh37 (hg19) VCF-style: chr14-45633685-C-T.
Other names: c.1705C>T (NM_020937.3, NM_020937.2); c.1627C>T, p.Arg543Cys (NM_001308133.2); c.1705C>T, p.Arg569Cys (NM_001308134.2); short protein forms R543C, R569C.
Identifiers: ClinVar variation 1010444 (VCV001010444.14), dbSNP rs1388696715, ClinGen allele CA389593944.

ClinVar aggregate classification (germline): Uncertain significance. Review status: criteria provided, multiple submitters, no conflicts (2 of 4 stars). 5 submissions from 5 submitters: Uncertain significance (5). Last evaluated 2025-03-14.

Conditions:
Spermatogenic failure 28. Identifiers: MedGen C4748117, MONDO:0054732, OMIM 618086.
Premature ovarian failure 15. Identifiers: MedGen C4748170, MONDO:0054862, OMIM 618096.
Fanconi anemia (FA). Also called: Fanconi's anemia. Identifiers: Orphanet 84, MedGen C0015625, MeSH D005199, MONDO:0019391.
FANCM-related disorder. Also called: FANCM-related condition.
Inborn genetic diseases. Identifiers: MedGen C0950123, MeSH D030342.

Allele frequency attached by ClinVar (database versions not stated): TOPMed 0.00002.

Submissions (5):

Labcorp Genetics (formerly Invitae), Labcorp
Classification: Uncertain significance for Fanconi anemia. Last evaluated: 2025-03-14. Review status: criteria provided, single submitter. Criteria: Invitae Variant Classification Sherloc (09022015). Collection method: clinical testing. Allele origin: germline.
Comment: This sequence change replaces arginine, which is basic and polar, with cysteine, which is neutral and slightly polar, at codon 569 of the FANCM protein (p.Arg569Cys). This variant is not present in population databases (gnomAD no frequency). This variant has not been reported in the literature in individuals affected with FANCM-related conditions. ClinVar contains an entry for this variant (Variation ID: 1010444). An algorithm developed to predict the effect of missense changes on protein structure and function (PolyPhen-2) suggests that this variant is likely to be disruptive. In summary, the available evidence is currently insufficient to determine the role of this variant in disease. Therefore, it has been classified as a Variant of Uncertain Significance.

PreventionGenetics, part of Exact Sciences
Classification: Uncertain significance for FANCM-related condition. Last evaluated: 2025-02-27. Review status: criteria provided, single submitter. Criteria: ACMG Guidelines, 2015. Collection method: clinical testing. Allele origin: germline.
Comment: The FANCM c.1705C>T variant is predicted to result in the amino acid substitution p.Arg569Cys. To our knowledge, this variant has not been reported in the literature or in a large population database (gnomAD), indicating this variant is rare. This variant is interpreted as uncertain in ClinVar. At this time, the clinical significance of this variant is uncertain due to the absence of conclusive functional and genetic evidence.

Ambry Genetics
Classification: Uncertain significance for Inborn genetic diseases. Last evaluated: 2024-12-20. Review status: criteria provided, single submitter. Criteria: Ambry Variant Classification Scheme 2023. Collection method: clinical testing. Allele origin: germline.
Comment: The p.R569C variant (also known as c.1705C>T), located in coding exon 10 of the FANCM gene, results from a C to T substitution at nucleotide position 1705. The arginine at codon 569 is replaced by cysteine, an amino acid with highly dissimilar properties. This amino acid position is conserved. In addition, this alteration is predicted to be deleterious by in silico analysis. Based on the available evidence, the clinical significance of this variant remains unclear.

GeneDx
Classification: Uncertain significance. Last evaluated: 2023-04-20. Review status: criteria provided, single submitter. Criteria: GeneDx Variant Classification Process June 2021. Collection method: clinical testing. Allele origin: germline. Affected: yes.
Comment: Not observed at significant frequency in large population cohorts (gnomAD); In silico analysis supports that this missense variant has a deleterious effect on protein structure/function; Has not been previously published as pathogenic or benign to our knowledge

Fulgent Genetics
Classification: Uncertain significance for Spermatogenic failure 28; Premature ovarian failure 15. Last evaluated: 2022-03-09. Review status: criteria provided, single submitter. Criteria: ACMG Guidelines, 2015. Collection method: clinical testing. Allele origin: unknown.